The following is an entry in ClinVar:

ClinVar aggregate classification (germline): Uncertain significance. Review status: criteria provided, multiple submitters, no conflicts (2 of 4 stars). 2 submissions from 2 submitters: Uncertain significance (2). Last evaluated 2025-06-17.

Conditions:
Cardiovascular phenotype. Identifiers: MedGen CN230736.
Brugada syndrome 8 (BRGDA8). Identifiers: Orphanet 130, MedGen C2751083, MONDO:0013148, OMIM 613123.

Submissions (2):

Ambry Genetics
Classification: Uncertain significance for Cardiovascular phenotype. Last evaluated: 2025-06-17. Review status: criteria provided, single submitter. Criteria: Ambry Variant Classification Scheme 2023. Collection method: clinical testing. Allele origin: germline.
Comment: The p.P1021S variant (also known as c.3061C>T), located in coding exon 8 of the HCN4 gene, results from a C to T substitution at nucleotide position 3061. The proline at codon 1021 is replaced by serine, an amino acid with similar properties. This amino acid position is conserved. In addition, this alteration is predicted to be tolerated by in silico analysis. Based on the available evidence, the clinical significance of this variant remains unclear.

Labcorp Genetics (formerly Invitae), Labcorp
Classification: Uncertain significance for Brugada syndrome 8. Last evaluated: 2024-07-02. Review status: criteria provided, single submitter. Criteria: Invitae Variant Classification Sherloc (09022015). Collection method: clinical testing. Allele origin: germline.
Comment: This sequence change replaces proline, which is neutral and non-polar, with serine, which is neutral and polar, at codon 1021 of the HCN4 protein (p.Pro1021Ser). This variant is not present in population databases (gnomAD no frequency). This variant has not been reported in the literature in individuals affected with HCN4-related conditions. Advanced modeling of protein sequence and biophysical properties (such as structural, functional, and spatial information, amino acid conservation, physicochemical variation, residue mobility, and thermodynamic stability) performed at Invitae indicates that this missense variant is not expected to disrupt HCN4 protein function with a negative predictive value of 95%. In summary, the available evidence is currently insufficient to determine the role of this variant in disease. Therefore, it has been classified as a Variant of Uncertain Significance.

NM_005477.3(HCN4):c.3061C>T (p.Pro1021Ser)

Gene: HCN4 (hyperpolarization activated cyclic nucleotide gated potassium channel 4; minus strand). Cytogenetic location: 15q24.1.
Variant type: single nucleotide variant.
Coding change: c.3061C>T on transcript NM_005477.3 (MANE Select); coding-DNA position 3061, C replaced by T.
Protein change: p.Pro1021Ser; replaces proline 1021 with serine.
Molecular consequence: missense variant.
Genome position (GRCh38, 1-based): chr15:73,323,032, G>A on the plus strand (C>T on the coding strand, the complement: HCN4 is on the minus strand). VCF-style: chr15-73323032-G-A. GRCh37 (hg19) VCF-style: chr15-73615373-G-A.
Other names: c.3061C>T (NM_005477.2); short protein forms P1021S.
Identifiers: ClinVar variation 3685036 (VCV003685036.3).